The following is an entry in ClinVar:

NM_053025.4(MYLK):c.5623G>A (p.Asp1875Asn)

Genes: MYLK (myosin light chain kinase; minus strand), MYLK-AS1 (MYLK antisense RNA 1; plus strand). Cytogenetic location: 3q21.1.
Variant type: single nucleotide variant.
Coding change: c.5623G>A on transcript NM_053025.4 (MANE Select); coding-DNA position 5623, G replaced by A.
Protein change: p.Asp1875Asn; replaces aspartic acid 1875 with asparagine.
Molecular consequence: missense variant.
Genome position (GRCh38, 1-based): chr3:123,614,227, C>T on the plus strand (G>A on the coding strand, the complement: MYLK is on the minus strand). VCF-style: chr3-123614227-C-T. GRCh37 (hg19) VCF-style: chr3-123333074-C-T.
Other names: c.5095G>A, p.Asp1699Asn (NM_001321309.2); c.5416G>A, p.Asp1806Asn (NM_053026.4); c.5470G>A, p.Asp1824Asn (NM_053027.4); c.5263G>A, p.Asp1755Asn (NM_053028.4); c.340G>A, p.Asp114Asn (NM_053031.4); c.343G>A, p.Asp115Asn (NM_053032.4); short protein forms D1806N, D1755N, D1699N, D1824N, D114N, D115N, D1875N.
Identifiers: ClinVar variation 1941171 (VCV001941171.5), dbSNP rs2472731390, ClinGen allele CA354228895.

ClinVar aggregate classification (germline): Uncertain significance (1 of 4 stars; one submission).

Conditions:
Aortic aneurysm, familial thoracic 7 (AAT7). Also called: AORTIC DISSECTION, FAMILIAL, WITH OR WITHOUT AORTIC ANEURYSM. Identifiers: MedGen C3151077, MONDO:0013418, OMIM 613780.

Allele frequency attached by ClinVar (database versions not stated): gnomAD exomes below 0.00001.
gnomAD v4.1: 1 of 1,614,120 alleles (0.000062%); highest among the groups gnomAD compares: Non-Finnish European, 0.000085%; no homozygotes.

Submission:

Labcorp Genetics (formerly Invitae), Labcorp
Classification: Uncertain significance for Aortic aneurysm, familial thoracic 7. Last evaluated: 2022-08-20. Review status: criteria provided, single submitter. Criteria: Invitae Variant Classification Sherloc (09022015). Collection method: clinical testing. Allele origin: germline.
Comment: In summary, the available evidence is currently insufficient to determine the role of this variant in disease. Therefore, it has been classified as a Variant of Uncertain Significance. Advanced modeling of protein sequence and biophysical properties (such as structural, functional, and spatial information, amino acid conservation, physicochemical variation, residue mobility, and thermodynamic stability) performed at Invitae indicates that this missense variant is not expected to disrupt MYLK protein function. This variant has not been reported in the literature in individuals affected with MYLK-related conditions. This variant is not present in population databases (gnomAD no frequency). This sequence change replaces aspartic acid, which is acidic and polar, with asparagine, which is neutral and polar, at codon 1875 of the MYLK protein (p.Asp1875Asn).